The following is an entry in ClinVar:

NM_018896.5(CACNA1G):c.2754+2T>C

Gene: CACNA1G (calcium voltage-gated channel subunit alpha1 G; plus strand). Cytogenetic location: 17q21.33.
Variant type: single nucleotide variant.
Coding change: c.2754+2T>C on transcript NM_018896.5 (MANE Select); the canonical splice donor site of the intron after coding-DNA position 2754, T replaced by C.
Molecular consequence: splice donor variant.
Genome position (GRCh38, 1-based): chr17:50,591,855, T>C. VCF-style: chr17-50591855-T-C. GRCh37 (hg19) VCF-style: chr17-48669216-T-C.
Other names: c.2754+2T>C (NM_001256325.2, NM_198377.3, NM_198380.3 and 24 more transcripts).
Identifiers: ClinVar variation 2444532 (VCV002444532.1), dbSNP rs2044405046, ClinGen allele CA400249522.

ClinVar aggregate classification (germline): Uncertain significance (1 of 4 stars; one submission).

Submission:

GeneDx
Classification: Uncertain significance. Last evaluated: 2022-09-14. Review status: criteria provided, single submitter. Criteria: GeneDx Variant Classification Process June 2021. Collection method: clinical testing. Allele origin: germline. Affected: yes.
Comment: Not observed at significant frequency in large population cohorts (gnomAD); Canonical splice site variant in a gene or region of a gene for which loss of function is not a well-established mechanism of disease; Has not been previously published as pathogenic or benign to our knowledge